The following is an entry in ClinVar:

ClinVar aggregate classification (germline): Pathogenic/Likely pathogenic. Review status: criteria provided, multiple submitters, no conflicts (2 of 4 stars). 35 submissions from 35 submitters: Pathogenic (25); Likely pathogenic (8). 2 of the submissions do not count toward it. Last evaluated 2026-08-03.

Conditions:
TMPRSS3-related disorder. Also called: TMPRSS3-related condition.
Rare genetic deafness. Identifiers: Orphanet 96210, MedGen C5680250.
Monogenic hearing loss.
Nonsyndromic genetic hearing loss. Also called: Nonsyndromic hearing loss and deafness; Non-syndromic genetic deafness; Nonsyndromic genetic deafness. Identifiers: Orphanet 87884, MedGen C5680182, MONDO:0019497.
Hearing impairment. Also called: Impaired Hearing. Identifiers: MedGen C1384666, MONDO:0005365, HP:0000365.
Autosomal recessive nonsyndromic hearing loss 8 (DFNB8). Also called: NEUROSENSORY NONSYNDROMIC RECESSIVE DEAFNESS 8; Deafness, autosomal recessive 10. Identifiers: Orphanet 90636, MedGen C1832827, MONDO:0010987, OMIM 601072.

Allele frequency attached by ClinVar (database versions not stated): 1000 Genomes Project 0.00060; 1000 Genomes Project 30x 0.00062; ExAC 0.00080; gnomAD exomes 0.00092; ESP Exome Variant Server 0.00085; gnomAD 0.00146; TOPMed 0.00104.
gnomAD v4.1: 3,141 of 1,614,240 alleles (0.19%); highest among the groups gnomAD compares: Non-Finnish European, 0.25%; 1 homozygote.

Submissions 1 to 12 of 35:

Genetics Laboratory, Great Ormond Street Hospital NHS Foundation Trust, North Thames Genomic Laboratory Hub
Classification: Pathogenic for Monogenic hearing loss. Last evaluated: 2026-08-03. Review status: criteria provided, single submitter. Criteria: ACGS Best Practice Guidelines for Variant Classification in Rare Disease 2024 v1.2. Collection method: clinical testing. Allele origin: germline. Affected: yes.
Comment: PP1_strong, PM3_very-strong

CeGaT Center for Human Genetics Tuebingen
Classification: Pathogenic. Last evaluated: 2026-08-01. Review status: criteria provided, single submitter. Criteria: CeGaT Center For Human Genetics Tuebingen Variant Classification Criteria Version 2. Collection method: clinical testing. Allele origin: germline. Affected: yes. Observed: 13 variant alleles.
Comment: TMPRSS3: PM3:Very Strong, PP1:Strong, PM2:Supporting, BP4

PreventionGenetics, part of Exact Sciences
Classification: Pathogenic for TMPRSS3-related condition. Last evaluated: 2026-03-26. Review status: criteria provided, single submitter. Criteria: ACMG Guidelines, 2015. Collection method: clinical testing. Allele origin: germline.
Comment: The TMPRSS3 c.413C>A variant is predicted to result in the amino acid substitution p.Ala138Glu. This variant has been reported to be causative for autosomal recessive nonsyndromic hearing loss (Hutchin et al. 2005. PubMed ID: 16283880; Lechowicz et al. 2017. PubMed ID: 28566687; Weegerink et al. 2011. PubMed ID: 21786053; Eppsteiner et al. 2012. PubMed ID: 22975204; Reis et al. 2022. PubMed ID: 35580552). This variant is reported in 0.18% of alleles in individuals of European (Non-Finnish) descent in gnomAD. This variant is interpreted as pathogenic.

Labcorp Genetics (formerly Invitae), Labcorp
Classification: Pathogenic. Last evaluated: 2026-01-21. Review status: criteria provided, single submitter. Criteria: Invitae Variant Classification Sherloc (09022015). Collection method: clinical testing. Allele origin: germline.
Comment: This sequence change replaces alanine, which is neutral and non-polar, with glutamic acid, which is acidic and polar, at codon 138 of the TMPRSS3 protein (p.Ala138Glu). This variant is present in population databases (rs147231991, gnomAD 0.2%), and has an allele count higher than expected for a pathogenic variant. This missense change has been observed in individual(s) with deafness (PMID: 16283880, 21786053, 22975204, 28566687, 29431110, 30242206, 31152317). In at least one individual the data is consistent with being in trans (on the opposite chromosome) from a pathogenic variant. It has also been observed to segregate with disease in related individuals. This variant is also known as p.A11E . ClinVar contains an entry for this variant (Variation ID: 46119). Invitae Evidence Modeling of protein sequence and biophysical properties (such as structural, functional, and spatial information, amino acid conservation, physicochemical variation, residue mobility, and thermodynamic stability) has been performed for this missense variant. However, the output from this modeling did not meet the statistical confidence thresholds required to predict the impact of this variant on TMPRSS3 protein function. For these reasons, this variant has been classified as Pathogenic.

Dasa
Classification: Pathogenic. Last evaluated: 2025-12-17. Review status: criteria provided, single submitter. Criteria: DASA Assertion Criteria. Collection method: clinical testing. Allele origin: germline.
Comment: NM_001256317.3(TMPRSS3):c.413C>A (p.Ala138Glu) is a missense variant that results in the substitution of alanine with glutamic acid. This variant has been recurrently observed in individuals with related phenotype (PMID: 37811145; PMID: 37713394; PMID: 30242206; PMID: 22975204; PMID: 21786053). Segregation evidence has been reported in affected families. The variant is present at low frequency in population datasets. Based on the available data, this variant is classified as pathogenic.

Institute of Human Genetics, University of Leipzig Medical Center
Classification: Pathogenic for Autosomal recessive nonsyndromic hearing loss 8. Last evaluated: 2025-12-03. Review status: criteria provided, single submitter. Criteria: ACMG Guidelines, 2015. Collection method: clinical testing. Allele origin: unknown. Inheritance: Autosomal recessive inheritance. Affected: yes.
Comment: Criteria applied: PM3_VSTR,PP1_STR; Identified as compund heterozygous with NM_001256317.3:c.1303C>T

North West Genomic Laboratory Hub, Manchester University NHS Foundation Trust
Classification: Pathogenic for Monogenic hearing loss. Last evaluated: 2025-06-30. Review status: criteria provided, single submitter. Criteria: ACGS Best Practice Guidelines for Variant Classification in Rare Disease 2024. Collection method: clinical testing. Allele origin: germline. Affected: yes.
Comment: PM3_VStr PP1_Str

Victorian Clinical Genetics Services, Murdoch Childrens Research Institute
Classification: Pathogenic for Autosomal recessive nonsyndromic hearing loss 8. Last evaluated: 2025-06-26. Review status: criteria provided, single submitter. Criteria: ACMG Guidelines, 2015. Collection method: clinical testing. Allele origin: germline. Affected: yes.
Comment: This variant is classified as Pathogenic. Evidence in support of pathogenic classification: Variant is present in gnomAD <0.01 for a recessive condition (v4: 3139 heterozygote(s), 1 homozygote(s)); This variant has strong previous evidence of pathogenicity in unrelated individuals. This variant has been reported in multiple unrelated individuals with hearing loss (PMID: 16283880, 21786053, 22975204, 30242206), and as pathogenic in ClinVar and the Deafness Variation Database; This variant has strong evidence for segregation with disease. This variant segregated with disease in at least two families with autosomal recessive non-syndromic hearing impairment (PMID: 21786053). Additional information: Variant is predicted to result in a missense amino acid change from alanine to glutamic acid; This variant is heterozygous; This gene is associated with autosomal recessive disease; Alternative amino acid change(s) at the same position are present in gnomAD (highest allele count: v4: 567 heterozygote(s), 1 homozygote(s)); Variant is located in the annotated scavenger receptor cysteine-rich domain (DECIPHER); Missense variant with inconclusive in silico prediction and uninformative conservation; Loss of function is a known mechanism of disease in this gene and is associated with autosomal recessive deafness 8/10 (MIM#601072); Inheritance information for this variant is not currently available in this individual.

GeneDx
Classification: Pathogenic. Last evaluated: 2025-05-06. Review status: criteria provided, single submitter. Criteria: GeneDx Variant Classification Process June 2021. Collection method: clinical testing. Allele origin: germline. Affected: yes.
Comment: In silico analysis supports that this missense variant has a deleterious effect on protein structure/function; This variant is associated with the following publications: (PMID: 25262649, 31152317, 16283880, 22975204, 28566687, 29431110, 31053783, 28695016, 31589614, 36147510, 34868270, 34599368, 34758253, 31980526, 35580552, 35052694, 21786053, 36515421, 36555390, 37713394, 38374194, 37811145, 38593426, 38523675, 38691166, Ajam-Hosseini[Preprint], Abhinay2024[CaseReport])

Variantyx, Inc.
Classification: Pathogenic for Autosomal recessive nonsyndromic hearing loss 8. Last evaluated: 2025-03-10. Review status: criteria provided, single submitter. Criteria: Variantyx Assertion Criteria 2022. Collection method: clinical testing. Allele origin: germline.
Comment: This is a nonsynonymous variant in the TMPRSS3 gene (OMIM: 605511). Pathogenic variants in this gene have been associated with autosomal recessive deafness 8/10. This variant has been identified in the homozygous or compound heterozygous state in many affected, unrelated individuals from the published literature (PMID: 28566687, 31152317, 16283880, 21786053) (PM3_Very_Strong). This variant has been observed to segregate with disease in at least 5 individuals from 1 family (PMID: 21786053) (PP1). This variant lies within a known hotspot for pathogenic variants or a well-established critical functional domain of the TMPRSS3 protein (PMID: 21786053) (PM1). Computational algorithms produce conflicting evidence regarding the predicted functional impact of this variant (REVEL score: 0.595). This variant has a 0.2493% maximum allele frequency in non-founder control populations. Based on the current evidence, this variant is classified as pathogenic for autosomal recessive deafness 8/10.

Department of Human Genetics, Hannover Medical School
Classification: Pathogenic for Autosomal recessive nonsyndromic hearing loss 8. Last evaluated: 2024-11-26. Review status: criteria provided, single submitter. Criteria: ACMG Guidelines, 2015. Collection method: clinical testing. Allele origin: germline. Affected: yes.

Blueprint Genetics
Classification: Pathogenic for TMPRSS3-related disorders. Last evaluated: 2024-11-19. Review status: criteria provided, single submitter. Criteria: ACMG Guidelines, 2015. Collection method: clinical testing. Allele origin: germline. Affected: yes. Observed: 5 variant alleles.

NM_001256317.3(TMPRSS3):c.413C>A (p.Ala138Glu)

Gene: TMPRSS3 (transmembrane serine protease 3; minus strand). Cytogenetic location: 21q22.3.
Variant type: single nucleotide variant.
Coding change: c.413C>A on transcript NM_001256317.3 (MANE Select); coding-DNA position 413, C replaced by A.
Protein change: p.Ala138Glu; replaces alanine 138 with glutamic acid.
Molecular consequence: missense variant.
Genome position (GRCh38, 1-based): chr21:42,388,436, G>T on the plus strand (C>A on the coding strand, the complement: TMPRSS3 is on the minus strand). VCF-style: chr21-42388436-G-T. GRCh37 (hg19) VCF-style: chr21-43808545-G-T.
Other names: c.413C>A (NM_024022.3); c.413C>A, p.Ala138Glu (NM_024022.4, NM_032405.2); c.32C>A, p.Ala11Glu (NM_032404.3); short protein forms A138E, A11E.
Identifiers: ClinVar variation 46119 (VCV000046119.108), dbSNP rs147231991, ClinGen allele CA261815.